The following is an entry in ClinVar:

NM_024721.5(ZFHX4):c.4757G>A (p.Ser1586Asn)

Gene: ZFHX4 (zinc finger homeobox 4; plus strand). Cytogenetic location: 8q21.13.
Variant type: single nucleotide variant.
Coding change: c.4757G>A on transcript NM_024721.5 (MANE Select); coding-DNA position 4757, G replaced by A.
Protein change: p.Ser1586Asn; replaces serine 1586 with asparagine.
Molecular consequence: missense variant.
Genome position (GRCh38, 1-based): chr8:76,851,678, G>A. VCF-style: chr8-76851678-G-A. GRCh37 (hg19) VCF-style: chr8-77763914-G-A.
Other names: c.4679G>A, p.Ser1560Asn (NM_001410934.1); short protein forms S1560N, S1586N.
Identifiers: ClinVar variation 2658665 (VCV002658665.24), dbSNP rs372765924, ClinGen allele CA4787558.

ClinVar aggregate classification (germline): Likely benign (1 of 4 stars; one submission).

Allele frequency attached by ClinVar (database versions not stated): TOPMed 0.00002; ExAC 0.00003; ESP Exome Variant Server 0.00008; gnomAD exomes 0.00002.
gnomAD v4.1: 25 of 1,613,896 alleles (0.0015%); highest among the groups gnomAD compares: Non-Finnish European, 0.002%; no homozygotes.

Submission:

CeGaT Center for Human Genetics Tuebingen
Classification: Likely benign. Last evaluated: 2022-11-01. Review status: criteria provided, single submitter. Criteria: CeGaT Center For Human Genetics Tuebingen Variant Classification Criteria Version 2. Collection method: clinical testing. Allele origin: germline. Affected: yes. Observed: 1 variant allele.
Comment: ZFHX4: BP4